The following is an entry in ClinVar:

NM_005359.6(SMAD4):c.646A>G (p.Asn216Asp)

Gene: SMAD4 (SMAD family member 4; plus strand). Cytogenetic location: 18q21.2.
Variant type: single nucleotide variant.
Coding change: c.646A>G on transcript NM_005359.6 (MANE Select); coding-DNA position 646, A replaced by G.
Protein change: p.Asn216Asp; replaces asparagine 216 with aspartic acid.
Molecular consequence: missense variant. On other transcripts: non-coding transcript variant (2).
Genome position (GRCh38, 1-based): chr18:51,054,972, A>G. VCF-style: chr18-51054972-A-G. GRCh37 (hg19) VCF-style: chr18-48581342-A-G.
Other names: c.646A>G, p.Asn216Asp (NM_001407041.1, NM_001407042.1, NM_001407043.1); short protein forms N216D.
Identifiers: ClinVar variation 3625825 (VCV003625825.4).

ClinVar aggregate classification (germline): Uncertain significance. Review status: criteria provided, multiple submitters, no conflicts (2 of 4 stars). 3 submissions from 3 submitters: Uncertain significance (3). Last evaluated 2025-05-31.

Conditions:
Juvenile polyposis/hereditary hemorrhagic telangiectasia syndrome (JPHT). Also called: JP/HHT SYNDROME; JUVENILE POLYPOSIS WITH HEREDITARY HEMORRHAGIC TELANGIECTASIA; POLYPOSIS, GENERALIZED JUVENILE, WITH PULMONARY ARTERIOVENOUS MALFORMATION; TELANGIECTASIA, HEREDITARY HEMORRHAGIC, WITH JUVENILE POLYPOSIS COLI; Juvenile Polyposis Syndrome / Hereditary Hemorrhagic Telangiectasia (JPS/HHT). Identifiers: Orphanet 2929, MedGen C1832942, MONDO:0008278, OMIM 175050.
Myhre syndrome (MYHRS). Also called: LARYNGOTRACHEAL STENOSIS, ARTHROPATHY, PROGNATHISM, AND SHORT STATURE; LAPS SYNDROME. Identifiers: Orphanet 2588, MedGen C0796081, MONDO:0007688, OMIM 139210.
Familial pancreatic carcinoma. Identifiers: Orphanet 1333, MedGen C2931038, MONDO:0015278, OMIM 260350.
Juvenile polyposis syndrome (JPS). Identifiers: Orphanet 2929, MedGen C0345893, MONDO:0017380, OMIM 174900.
Familial thoracic aortic aneurysm and aortic dissection (TAAD). Also called: Thoracic aortic aneurysms and dissections. Identifiers: Orphanet 91387, MedGen C4707243, MONDO:0019625.
Hereditary cancer-predisposing syndrome. Also called: Neoplastic Syndromes, Hereditary; Tumor predisposition; Hereditary neoplastic syndrome; Hereditary Cancer Syndrome. Identifiers: Orphanet 140162, MedGen C0027672, MeSH D009386, MONDO:0015356.

Submissions (3):

Ambry Genetics
Classification: Uncertain significance for Hereditary cancer-predisposing syndrome; Familial thoracic aortic aneurysm and aortic dissection. Last evaluated: 2025-05-31. Review status: criteria provided, single submitter. Criteria: Ambry Variant Classification Scheme 2023. Collection method: clinical testing. Allele origin: germline.
Comment: The p.N216D variant (also known as c.646A>G), located in coding exon 4 of the SMAD4 gene, results from an A to G substitution at nucleotide position 646. The asparagine at codon 216 is replaced by aspartic acid, an amino acid with highly similar properties. This amino acid position is conserved. In addition, the in silico prediction for this alteration is inconclusive. Based on the available evidence, the clinical significance of this variant remains unclear.

Labcorp Genetics (formerly Invitae), Labcorp
Classification: Uncertain significance for Juvenile polyposis syndrome. Last evaluated: 2025-04-14. Review status: criteria provided, single submitter. Criteria: Invitae Variant Classification Sherloc (09022015). Collection method: clinical testing. Allele origin: germline.
Comment: This sequence change replaces asparagine, which is neutral and polar, with aspartic acid, which is acidic and polar, at codon 216 of the SMAD4 protein (p.Asn216Asp). This variant is not present in population databases (gnomAD no frequency). This variant has not been reported in the literature in individuals affected with SMAD4-related conditions. ClinVar contains an entry for this variant (Variation ID: 3625825). Invitae Evidence Modeling of protein sequence and biophysical properties (such as structural, functional, and spatial information, amino acid conservation, physicochemical variation, residue mobility, and thermodynamic stability) indicates that this missense variant is not expected to disrupt SMAD4 protein function with a negative predictive value of 95%. In summary, the available evidence is currently insufficient to determine the role of this variant in disease. Therefore, it has been classified as a Variant of Uncertain Significance.

Department of Pathology and Laboratory Medicine, Sinai Health System
Classification: Uncertain significance for Myhre syndrome; Juvenile polyposis syndrome; Juvenile polyposis/hereditary hemorrhagic telangiectasia syndrome; Familial pancreatic carcinoma. Last evaluated: 2025-02-11. Review status: criteria provided, single submitter. Criteria: ACMG Guidelines, 2015. Collection method: clinical testing. Allele origin: germline.